The following is an entry in ClinVar:

NM_057175.5(NAA15):c.327G>A (p.Trp109Ter)

Gene: NAA15 (N-alpha-acetyltransferase 15, NatA auxiliary subunit; plus strand). Cytogenetic location: 4q31.1.
Variant type: single nucleotide variant.
Coding change: c.327G>A on transcript NM_057175.5 (MANE Select); coding-DNA position 327, G replaced by A.
Protein change: p.Trp109Ter; replaces tryptophan 109 with a stop codon.
Molecular consequence: nonsense.
Genome position (GRCh38, 1-based): chr4:139,340,994, G>A. VCF-style: chr4-139340994-G-A. GRCh37 (hg19) VCF-style: chr4-140262148-G-A.
Other names: short protein forms W109*.
Identifiers: ClinVar variation 1320242 (VCV001320242.1), dbSNP rs2110911054, ClinGen allele CA358259793.

ClinVar aggregate classification (germline): Likely pathogenic (1 of 4 stars; one submission).

Conditions:
Intellectual developmental disorder, autosomal dominant 50, with behavioral abnormalities. Also called: MENTAL RETARDATION, AUTOSOMAL DOMINANT 50; Intellectual disability, autosomal dominant 50. Identifiers: MedGen C4540470, MONDO:0030916, OMIM 617787.

Submission:

3billion
Classification: Likely pathogenic for Intellectual developmental disorder, autosomal dominant 50, with behavioral abnormalities. Last evaluated: 2021-10-02. Review status: criteria provided, single submitter. Criteria: ACMG Guidelines, 2015. Collection method: clinical testing. Allele origin: maternal. Affected: yes. Observed: 1 heterozygote.
Comment: Stop-gained (nonsense): predicted to result in a loss or disruption of normal protein function through nonsense-mediated decay (NMD) or protein truncation. Multiple pathogenic variants are reported downstream of the variant (PVS1_VS). It is not observed in the gnomAD v2.1.1 dataset (PM2). Therefore, this variant is classified as likely pathogenic according to the recommendation of ACMG/AMP guideline.